The following is an entry in ClinVar:

NM_004168.4(SDHA):c.1764dup (p.Arg589fs)

Gene: SDHA (succinate dehydrogenase complex flavoprotein subunit A; plus strand). Cytogenetic location: 5p15.33.
Variant type: Duplication.
Coding change: c.1764dup on transcript NM_004168.4 (MANE Select); coding-DNA position 1764, one base duplicated (A; older notation c.1764dupA).
Protein change: p.Arg589fs; shifts the reading frame from arginine 589.
Molecular consequence: frameshift variant. On other transcripts: intron variant (1).
Genome position (GRCh38, 1-based): chr5:251,438, A duplicated. VCF-style (leftmost placement, unchanged base first): chr5-251437-C-CA. GRCh37 (hg19) VCF-style: chr5-251552-C-CA.
Other names: c.1620dup, p.Arg541fs (NM_001294332.2); c.1552-2955dup (NM_001330758.2); short protein forms R541fs, R589fs.
Identifiers: ClinVar variation 1389565 (VCV001389565.6), dbSNP rs2126633648, ClinGen allele CA2573139518.
Genomic context (GRCh38, chr5:251,437, plus strand): 5'-TGCAGAACCTGATGCTGTGTGCGCTGCAGACCATCTACGGAGCAGAGGCACGGAAGGAGT[C>CA]ACGGGGCGCGCATGCCAGGGAAGACTACAAGGTGGGCCTTCTCACCACGCCCACCTGCAC-3'

ClinVar aggregate classification (germline): Pathogenic (1 of 4 stars; one submission).

Conditions:
Mitochondrial complex II deficiency, nuclear type 1. Also called: SUCCINATE CoQ REDUCTASE DEFICIENCY. Identifiers: Orphanet 3208, MedGen C5700310, MONDO:0100294, OMIM 252011.
Pheochromocytoma/paraganglioma syndrome 5. Also called: Paragangliomas 5; SDHA-Related Hereditary Paraganglioma-Pheochromocytoma Syndrome. Identifiers: Orphanet 29072, MedGen C3279992, MONDO:0013602, OMIM 614165.

Submission:

Labcorp Genetics (formerly Invitae), Labcorp
Classification: Pathogenic for Pheochromocytoma/paraganglioma syndrome 5; Mitochondrial complex II deficiency, nuclear type 1. Last evaluated: 2021-07-15. Review status: criteria provided, single submitter. Criteria: Invitae Variant Classification Sherloc (09022015). Collection method: clinical testing. Allele origin: germline.
Comment: This sequence change creates a premature translational stop signal (p.Arg589Thrfs*14) in the SDHA gene. It is expected to result in an absent or disrupted protein product. Loss-of-function variants in SDHA are known to be pathogenic (PMID: 22974104, 24781757). This variant is not present in population databases (ExAC no frequency). This variant has not been reported in the literature in individuals affected with SDHA-related conditions. For these reasons, this variant has been classified as Pathogenic.

Literature cited by the submitters: PubMed 22974104; PubMed 24781757.